The following is an entry in ClinVar:

NM_207118.3(GTF2H5):c.137T>C (p.Ile46Thr)

Gene: GTF2H5 (general transcription factor IIH subunit 5; plus strand). Cytogenetic location: 6q25.3.
Variant type: single nucleotide variant.
Coding change: c.137T>C on transcript NM_207118.3 (MANE Select); coding-DNA position 137, T replaced by C.
Protein change: p.Ile46Thr; replaces isoleucine 46 with threonine.
Molecular consequence: missense variant.
Genome position (GRCh38, 1-based): chr6:158,192,078, T>C. VCF-style: chr6-158192078-T-C. GRCh37 (hg19) VCF-style: chr6-158613110-T-C.
Other names: short protein forms I46T.
Identifiers: ClinVar variation 2094940 (VCV002094940.4), dbSNP rs1361729064, ClinGen allele CA366253530.
Genomic context (GRCh38, chr6:158,192,078, plus strand): 5'-CCAATGCCCTGGGGAAGAAGTTCATCATTCAAGACATTGATGACACTCACGTCTTTGTAA[T>C]AGCAGAATTGGTTAATGTCCTCCAGGAGCGAGTGGGTGAATTAATGGACCAAAATGCTTT-3'
Protein context (NP_997001.1, residues 36-56): QDIDDTHVFV[Ile46Thr]AELVNVLQER

ClinVar aggregate classification (germline): Uncertain significance (1 of 4 stars; one submission).

Allele frequency attached by ClinVar (database versions not stated): gnomAD exomes below 0.00001; TOPMed below 0.00001.
gnomAD v4.1: 2 of 1,613,826 alleles (0.00012%); highest among the groups gnomAD compares: Non-Finnish European, 0.00017%; no homozygotes.

Submission:

Labcorp Genetics (formerly Invitae), Labcorp
Classification: Uncertain significance. Last evaluated: 2026-01-12. Review status: criteria provided, single submitter. Criteria: Invitae Variant Classification Sherloc (09022015). Collection method: clinical testing. Allele origin: germline.
Comment: This sequence change replaces isoleucine, which is neutral and non-polar, with threonine, which is neutral and polar, at codon 46 of the GTF2H5 protein (p.Ile46Thr). This variant is present in population databases (no rsID available, gnomAD 0.0009%). This variant has not been reported in the literature in individuals affected with GTF2H5-related conditions. ClinVar contains an entry for this variant (Variation ID: 2094940). An algorithm developed to predict the effect of missense changes on protein structure and function (PolyPhen-2) suggests that this variant is likely to be tolerated. In summary, the available evidence is currently insufficient to determine the role of this variant in disease. Therefore, it has been classified as a Variant of Uncertain Significance.